The following is an entry in ClinVar:

ClinVar aggregate classification (germline): Uncertain significance (1 of 4 stars; one submission).

Submission:

Greenwood Genetic Center Diagnostic Laboratories, Greenwood Genetic Center
Classification: Uncertain significance. Last evaluated: 2023-04-03. Review status: criteria provided, single submitter. Criteria: ACMG Guidelines, 2015. Collection method: clinical testing. Allele origin: germline. Affected: yes.
Comment: PM2

NM_001292034.3(TAB2):c.-90+24822_-90+24823del

Gene: TAB2 (TGF-beta activated kinase 1 (MAP3K7) binding protein 2; plus strand). Cytogenetic location: 6q25.1.
Variant type: Deletion.
Coding change: c.-90+24822_-90+24823del on transcript NM_001292034.3 (MANE Select); bases 24822 to 24823 of the intron after 90 bases upstream of the start codon, 2 bases deleted (TG; older notation c.-90+24822_-90+24823delTG).
Molecular consequence: intron variant.
Genome position (GRCh38, 1-based): chr6:149,342,837-149,342,838, TG deleted. VCF-style (leftmost placement, unchanged base first): chr6-149342836-ATG-A. GRCh37 (hg19) VCF-style: chr6-149663972-ATG-A.
Other names: c.7-35181_7-35180del (NM_001292035.3); c.-90+4_-90+5del (NM_001369506.1, NM_015093.6).
Identifiers: ClinVar variation 2572342 (VCV002572342.1), dbSNP rs2483210902, ClinGen allele CA2580615791.